The following is an entry in ClinVar:

NM_000038.6(APC):c.7592C>G (p.Ser2531Cys)

Gene: APC (APC regulator of Wnt signaling pathway; plus strand). Cytogenetic location: 5q22.2.
Variant type: single nucleotide variant.
Coding change: c.7592C>G on transcript NM_000038.6 (MANE Select); coding-DNA position 7592, C replaced by G.
Protein change: p.Ser2531Cys; replaces serine 2531 with cysteine.
Molecular consequence: missense variant.
Genome position (GRCh38, 1-based): chr5:112,843,186, C>G. VCF-style: chr5-112843186-C-G. GRCh37 (hg19) VCF-style: chr5-112178883-C-G.
Other names: c.7592C>G, p.Ser2531Cys (NM_001127510.3, NM_001354895.2); c.7538C>G, p.Ser2513Cys (NM_001127511.3); c.7646C>G, p.Ser2549Cys (NM_001354896.2); c.7622C>G, p.Ser2541Cys (NM_001354897.2); c.7517C>G, p.Ser2506Cys (NM_001354898.2); c.7508C>G, p.Ser2503Cys (NM_001354899.2); c.7469C>G, p.Ser2490Cys (NM_001354900.2); c.7415C>G, p.Ser2472Cys (NM_001354901.2); and 6 more; short protein forms S2371C, S2440C, S2472C, S2506C, S2513C, S2531C, S2430C, S2541C.
Identifiers: ClinVar variation 1408655 (VCV001408655.9), dbSNP rs1702257155, ClinGen allele CA16037826.

ClinVar aggregate classification (germline): Uncertain significance. Review status: criteria provided, multiple submitters, no conflicts (2 of 4 stars). 2 submissions from 2 submitters: Uncertain significance (2). Last evaluated 2025-07-08.

Conditions:
Hereditary cancer-predisposing syndrome. Also called: Hereditary Cancer Syndrome; Tumor predisposition; Hereditary neoplastic syndrome; Neoplastic Syndromes, Hereditary. Identifiers: Orphanet 140162, MedGen C0027672, MeSH D009386, MONDO:0015356.
Familial adenomatous polyposis 1 (FAP1). Also called: FAMILIAL ADENOMATOUS POLYPOSIS 1, ATTENUATED; POLYPOSIS, ADENOMATOUS INTESTINAL. Identifiers: MedGen C2713442, MONDO:0021056, OMIM 175100. Disease mechanism: loss of function.

Submissions (2):

Labcorp Genetics (formerly Invitae), Labcorp
Classification: Uncertain significance for Familial adenomatous polyposis 1. Last evaluated: 2025-07-08. Review status: criteria provided, single submitter. Criteria: Invitae Variant Classification Sherloc (09022015). Collection method: clinical testing. Allele origin: germline.
Comment: This sequence change replaces serine, which is neutral and polar, with cysteine, which is neutral and slightly polar, at codon 2531 of the APC protein (p.Ser2531Cys). This variant is not present in population databases (gnomAD no frequency). This variant has not been reported in the literature in individuals affected with APC-related conditions. ClinVar contains an entry for this variant (Variation ID: 1408655). Invitae Evidence Modeling of protein sequence and biophysical properties (such as structural, functional, and spatial information, amino acid conservation, physicochemical variation, residue mobility, and thermodynamic stability) indicates that this missense variant is not expected to disrupt APC protein function with a negative predictive value of 95%. In summary, the available evidence is currently insufficient to determine the role of this variant in disease. Therefore, it has been classified as a Variant of Uncertain Significance.

Ambry Genetics
Classification: Uncertain significance for Hereditary cancer-predisposing syndrome. Last evaluated: 2022-12-23. Review status: criteria provided, single submitter. Criteria: Ambry Variant Classification Scheme 2023. Collection method: clinical testing. Allele origin: germline.
Comment: The p.S2531C variant (also known as c.7592C>G), located in coding exon 15 of the APC gene, results from a C to G substitution at nucleotide position 7592. The serine at codon 2531 is replaced by cysteine, an amino acid with dissimilar properties. This amino acid position is highly conserved in available vertebrate species. In addition, in silico predictors for this gene do not accurately predict pathogenicity. Since supporting evidence is limited at this time, the clinical significance of this alteration remains unclear.